The following is an entry in ClinVar:

ClinVar aggregate classification (germline): Benign/Likely benign. Review status: criteria provided, multiple submitters, no conflicts (2 of 4 stars). 11 submissions from 11 submitters: Benign (3); Likely benign (5). 3 of the submissions do not count toward it. Last evaluated 2026-02-03.

Conditions:
Aortic aneurysm, familial thoracic 7 (AAT7). Also called: AORTIC DISSECTION, FAMILIAL, WITH OR WITHOUT AORTIC ANEURYSM. Identifiers: MedGen C3151077, MONDO:0013418, OMIM 613780.

Allele frequency attached by ClinVar (database versions not stated): gnomAD 0.00153; 1000 Genomes Project 0.00160; 1000 Genomes Project 30x 0.00187; ESP Exome Variant Server 0.00223; TOPMed 0.00225; ExAC 0.00272; gnomAD exomes 0.00272 and 0.00322.
gnomAD v4.1: 4,980 of 1,613,262 alleles (0.31%); highest among the groups gnomAD compares: South Asian, 0.6%; 19 homozygotes.

Submissions (11):

Labcorp Genetics (formerly Invitae), Labcorp
Classification: Benign for Aortic aneurysm, familial thoracic 7. Last evaluated: 2026-02-03. Review status: criteria provided, single submitter. Criteria: Invitae Variant Classification Sherloc (09022015). Collection method: clinical testing. Allele origin: germline.

ARUP Laboratories, Molecular Genetics and Genomics, ARUP Laboratories
Classification: Benign. Last evaluated: 2024-12-12. Review status: criteria provided, single submitter. Criteria: ARUP Molecular Germline Variant Investigation Process 2024. Collection method: clinical testing. Allele origin: germline.

Blueprint Genetics
Classification: Likely benign. Last evaluated: 2024-11-25. Review status: criteria provided, single submitter. Criteria: ACMG Guidelines, 2015. Collection method: clinical testing. Allele origin: germline.

Women's Health and Genetics/Laboratory Corporation of America, LabCorp
Classification: Benign. Last evaluated: 2020-07-13. Review status: criteria provided, single submitter. Criteria: LabCorp Variant Classification Summary - May 2015. Collection method: clinical testing. Allele origin: germline.
Comment: Variant summary: MYLK c.4620-18G>A alters a non-conserved nucleotide located close to a canonical splice site and therefore could affect mRNA splicing, leading to a significantly altered protein sequence. 4/4 computational tools predict no significant impact on normal splicing. However, these predictions have yet to be confirmed by functional studies. The variant allele was found at a frequency of 0.0027 in 250268 control chromosomes, predominantly at a frequency of 0.0058 within the South Asian subpopulation in the gnomAD database, including 2 homozygotes. The observed variant frequency within South Asian control individuals in the gnomAD database is approximately 2320 fold of the estimated maximal expected allele frequency for a pathogenic variant in MYLK causing Aortopathy phenotype (2.5e-06), strongly suggesting that the variant is a benign polymorphism found primarily in populations of South Asian origin. To our knowledge, no occurrence of c.4620-18G>A in individuals affected with Aortopathy and no experimental evidence demonstrating its impact on protein function have been reported. Two clinical diagnostic laboratories have submitted clinical-significance assessments for this variant to ClinVar after 2014 without evidence for independent evaluation. All laboratories classified the variant as likely benign. Based on the evidence outlined above, the variant was classified as benign.

GeneDx
Classification: Likely benign. Last evaluated: 2017-12-01. Review status: criteria provided, single submitter. Criteria: GeneDx Variant Classification (06012015). Collection method: clinical testing. Allele origin: germline. Affected: yes.
Comment: This variant is considered likely benign or benign based on one or more of the following criteria: it is a conservative change, it occurs at a poorly conserved position in the protein, it is predicted to be benign by multiple in silico algorithms, and/or has population frequency not consistent with disease.

Center for Pediatric Genomic Medicine, Children's Mercy Hospital and Clinics
Classification: Likely benign. Last evaluated: 2017-05-30. Review status: criteria provided, single submitter. Criteria: ACMG Guidelines, 2015. Collection method: clinical testing. Allele origin: germline.

Breakthrough Genomics
Classification: Likely benign. Review status: criteria provided, single submitter. Criteria: ACMG Guidelines, 2015. Collection method: not provided. Allele origin: germline. Inheritance: Autosomal recessive inheritance. Affected: yes.

PreventionGenetics, part of Exact Sciences
Classification: Likely benign. Review status: criteria provided, single submitter. Criteria: ACMG Guidelines, 2015. Collection method: clinical testing. Allele origin: germline.

Clinical Genetics DNA and cytogenetics Diagnostics Lab, Erasmus MC, Erasmus Medical Center
Classification: Benign. Review status: no assertion criteria provided. Collection method: clinical testing. Allele origin: germline. Affected: yes. Study: VKGL Data-share Consensus. Not counted in ClinVar's aggregate classification.

Genome Diagnostics Laboratory, Amsterdam University Medical Center
Classification: Benign. Review status: no assertion criteria provided. Collection method: clinical testing. Allele origin: germline. Affected: yes. Study: VKGL Data-share Consensus. Not counted in ClinVar's aggregate classification.

Genome Diagnostics Laboratory, University Medical Center Utrecht
Classification: Benign. Review status: no assertion criteria provided. Collection method: clinical testing. Allele origin: germline. Affected: yes. Study: VKGL Data-share Consensus. Not counted in ClinVar's aggregate classification.

NM_053025.4(MYLK):c.4620-18G>A

Gene: MYLK (myosin light chain kinase; minus strand). Cytogenetic location: 3q21.1.
Variant type: single nucleotide variant.
Coding change: c.4620-18G>A on transcript NM_053025.4 (MANE Select); 18 bases into the intron before coding-DNA position 4620, G replaced by A.
Molecular consequence: intron variant.
Genome position (GRCh38, 1-based): chr3:123,640,522, C>T on the plus strand (G>A on the coding strand, the complement: MYLK is on the minus strand). VCF-style: chr3-123640522-C-T. GRCh37 (hg19) VCF-style: chr3-123359369-C-T.
Other names: c.4092-18G>A (NM_001321309.2); c.4413-18G>A (NM_053028.4, NM_053026.4); c.4620-18G>A (NM_053027.4).
Identifiers: ClinVar variation 262285 (VCV000262285.26), dbSNP rs41305835, ClinGen allele CA071908.
Genomic context (GRCh38, chr3:123,640,522, plus strand): 5'-GTCCTCGTCAATGATGCGCTCAAACAGCTCCCCTCCTGACACGCTGCGGGAACACGTGCA[C>T]GGGGTGGTCAGGCCACAGGCTCATGGAGGCCAGGCTGGCAGGGAGTCTGGCCAGGGTAGG-3'